The following is an entry in ClinVar:

NM_000465.4(BARD1):c.382C>T (p.Pro128Ser)

Gene: BARD1 (BRCA1 associated RING domain 1; minus strand). Cytogenetic location: 2q35.
Variant type: single nucleotide variant.
Coding change: c.382C>T on transcript NM_000465.4 (MANE Select); coding-DNA position 382, C replaced by T.
Protein change: p.Pro128Ser; replaces proline 128 with serine.
Molecular consequence: missense variant. On other transcripts: non-coding transcript variant (2), intron variant (3).
Genome position (GRCh38, 1-based): chr2:214,781,492, G>A on the plus strand (C>T on the coding strand, the complement: BARD1 is on the minus strand). VCF-style: chr2-214781492-G-A. GRCh37 (hg19) VCF-style: chr2-215646216-G-A.
Other names: c.325C>T, p.Pro109Ser (NM_001282543.2); c.158+27920C>T (NM_001282548.2); c.215+15569C>T (NM_001282545.2); c.364+10805C>T (NM_001282549.2); short protein forms P128S, P109S.
Identifiers: ClinVar variation 237836 (VCV000237836.26), dbSNP rs878854011, ClinGen allele CA10581940.

ClinVar aggregate classification (germline): Conflicting classifications of pathogenicity. Review status: criteria provided, conflicting classifications (1 of 4 stars). 7 submissions from 7 submitters: Uncertain significance (5); Likely benign (1). 1 of the submissions does not count toward it. Last evaluated 2025-11-15.

Conditions:
Hereditary cancer-predisposing syndrome. Also called: Neoplastic Syndromes, Hereditary; Hereditary neoplastic syndrome; Tumor predisposition; Hereditary Cancer Syndrome. Identifiers: Orphanet 140162, MedGen C0027672, MeSH D009386, MONDO:0015356.
Familial cancer of breast. Also called: BREAST CANCER, FAMILIAL; hereditary breast carcinoma; Hereditary breast cancer. Identifiers: Orphanet 227535, MedGen C0346153, MONDO:0016419, OMIM 114480. Disease mechanism: loss of function.

Allele frequency attached by ClinVar (database versions not stated): gnomAD 0.00001; gnomAD exomes 0.00001.
gnomAD v4.1: 11 of 1,610,306 alleles (0.00068%); highest among the groups gnomAD compares: Non-Finnish European, 0.00093%; no homozygotes.

Submissions (7):

Labcorp Genetics (formerly Invitae), Labcorp
Classification: Uncertain significance for Familial cancer of breast. Last evaluated: 2025-11-15. Review status: criteria provided, single submitter. Criteria: Invitae Variant Classification Sherloc (09022015). Collection method: clinical testing. Allele origin: germline.
Comment: This sequence change replaces proline, which is neutral and non-polar, with serine, which is neutral and polar, at codon 128 of the BARD1 protein (p.Pro128Ser). This variant is present in population databases (no rsID available, gnomAD 0.002%). This variant has not been reported in the literature in individuals affected with BARD1-related conditions. ClinVar contains an entry for this variant (Variation ID: 237836). An algorithm developed to predict the effect of missense changes on protein structure and function outputs the following: PolyPhen-2: "Benign". The serine amino acid residue is found in multiple mammalian species, which suggests that this missense change does not adversely affect protein function. In summary, the available evidence is currently insufficient to determine the role of this variant in disease. Therefore, it has been classified as a Variant of Uncertain Significance.

GeneDx
Classification: Uncertain significance. Last evaluated: 2024-08-14. Review status: criteria provided, single submitter. Criteria: GeneDx Variant Classification Process June 2021. Collection method: clinical testing. Allele origin: germline. Affected: yes.
Comment: Not observed at significant frequency in large population cohorts (gnomAD); In silico analysis indicates that this missense variant does not alter protein structure/function; Has not been previously published as pathogenic or benign to our knowledge

Women's Health and Genetics/Laboratory Corporation of America, LabCorp
Classification: Uncertain significance. Last evaluated: 2023-09-01. Review status: criteria provided, single submitter. Criteria: LabCorp Variant Classification Summary - May 2015. Collection method: clinical testing. Allele origin: germline.

Color Diagnostics, LLC DBA Color Health
Classification: Uncertain significance for Hereditary cancer-predisposing syndrome. Last evaluated: 2021-07-26. Review status: criteria provided, single submitter. Criteria: ACMG Guidelines, 2015. Collection method: clinical testing. Allele origin: germline.
Comment: This missense variant replaces proline with serine at codon 128 of the BARD1 protein. Computational prediction suggests that this variant may not impact protein structure and function (internally defined REVEL score threshold <= 0.5, PMID: 27666373). To our knowledge, functional studies have not been reported for this variant. This variant has not been reported in individuals affected with hereditary cancer in the literature. This variant has been identified in 4/278994 chromosomes in the general population by the Genome Aggregation Database (gnomAD). The available evidence is insufficient to determine the role of this variant in disease conclusively. Therefore, this variant is classified as a Variant of Uncertain Significance.

Ambry Genetics
Classification: Likely benign for Hereditary cancer-predisposing syndrome. Last evaluated: 2018-12-29. Review status: criteria provided, single submitter. Criteria: Ambry Variant Classification Scheme 2023. Collection method: clinical testing. Allele origin: germline.

Illumina Laboratory Services, Illumina
Classification: Uncertain significance for Familial cancer of breast. Last evaluated: 2017-04-27. Review status: criteria provided, single submitter. Criteria: ICSL Variant Classification Criteria 13 December 2019. Collection method: clinical testing. Allele origin: germline.

Department of Pathology and Laboratory Medicine, Sinai Health System
Classification: Uncertain significance. Review status: no assertion criteria provided. Collection method: clinical testing. Allele origin: unknown. Affected: yes. Study: The Canadian Open Genetics Repository (COGR). Not counted in ClinVar's aggregate classification.
Comment: The BARD1 p.Pro128Ser variant was not identified in the literature nor was it identified in the Cosmic, MutDB, and the Zhejiang Colon Cancer databases. The variant was identified in dbSNP (ID: rs878854011) as â€šÃ„Ãºwith uncertain significance alleleâ€šÃ„Ã¹, in the ClinVar database as likely benign by Invitae and as uncertain significance by Ambry Genetics. The variant was not identified in the 1000 Genomes Project or in the NHLBI GO Exome Sequencing Project databases. The variant was identified in control databases in 3 of 273386 chromosomes at a frequency of 0.00001 (Genome Aggregation Database Feb 27, 2017). It was observed in the European Non-Finnish population in 3 of 124658 chromosomes (freq: 0.00002); the was not observed in the African, Other, Latino, Ashkenazi Jewish, East Asian, European Finnish, and South Asian populations. The p.Pro128Ser residue is not conserved in mammals and four out of five computational analyses (PolyPhen-2, SIFT, AlignGVGD, BLOSUM, MutationTaster) do not suggest a high likelihood of impact to the protein; however, this information is not predictive enough to rule out pathogenicity. The variant occurs outside of the splicing consensus sequence and in silico or computational prediction software programs (SpliceSiteFinder, MaxEntScan, NNSPLICE, GeneSplicer, HumanSpliceFinder) do not predict a difference in splicing. In summary, based on the above information the clinical significance of this variant cannot be determined with certainty at this time. This variant is classified as a variant of uncertain significance.